The following continues an entry in ClinVar:

NM_001042492.3(NF1):c.1381C>T (p.Arg461Ter)

Gene: NF1. ClinVar aggregate classification (germline): Pathogenic. Pathogenic (26).

Submissions 15 to 27 of 27:

Division of Human Genetics, National Health Laboratory Service/University of the Witwatersrand
Classification: Pathogenic for Neurofibromatosis, type 1. Last evaluated: 2023-07-01. Review status: criteria provided, single submitter. Criteria: ACMG Guidelines, 2015. Collection method: research. Allele origin: germline. Affected: yes.

PreventionGenetics, part of Exact Sciences
Classification: Pathogenic for NF1-related condition. Last evaluated: 2023-05-22. Review status: criteria provided, single submitter. Criteria: ACMG Guidelines, 2015. Collection method: clinical testing. Allele origin: germline.
Comment: The NF1 c.1381C>T variant is predicted to result in premature protein termination (p.Arg461*). This variant has been reported in multiple individuals with neurofibromatosis (see for examples Fahsold et al. 2000. PubMed ID: 10712197; Giugliano et al. 2019. PubMed ID: 31370276). This variant has not been reported in a large population database, indicating this variant is rare. Nonsense variants in NF1 are expected to be pathogenic, and this variant has been classified as pathogenic by multiple independent submitters to the ClinVar database. This variant is interpreted as pathogenic.

Baylor Genetics
Classification: Pathogenic for Juvenile myelomonocytic leukemia. Last evaluated: 2023-03-24. Review status: criteria provided, single submitter. Criteria: ACMG Guidelines, 2015. Collection method: clinical testing. Allele origin: unknown.

Clinical Genetics Laboratory, Skane University Hospital Lund
Classification: Pathogenic. Last evaluated: 2022-07-13. Review status: criteria provided, single submitter. Criteria: ACMG Guidelines, 2015. Collection method: clinical testing. Allele origin: germline. Affected: yes.

Genome-Nilou Lab
Classification: Pathogenic for Neurofibromatosis, type 1. Last evaluated: 2022-03-15. Review status: criteria provided, single submitter. Criteria: ACMG Guidelines, 2015. Collection method: clinical testing. Allele origin: germline. Affected: no.

GeneDx
Classification: Pathogenic. Last evaluated: 2022-01-28. Review status: criteria provided, single submitter. Criteria: GeneDx Variant Classification Process June 2021. Collection method: clinical testing. Allele origin: germline. Affected: yes.
Comment: Nonsense variant predicted to result in protein truncation or nonsense mediated decay in a gene for which loss-of-function is a known mechanism of disease; Not observed at significant frequency in large population cohorts (gnomAD); This variant is associated with the following publications: (PMID: 25525159, 23668869, 18438896, 26969325, 26556299, 16479075, 16944272, 15146469, 16835897, 10712197, 10862084, 16941471, 24789688, 23913538, 26659639, 30308447, 29032173, 30098238, 31370276, 32098826, 31776437)

Genome Diagnostics Laboratory, The Hospital for Sick Children
Classification: Pathogenic for Neurofibromatosis, type 1. Last evaluated: 2020-10-26. Review status: criteria provided, single submitter. Criteria: ACMG Guidelines, 2015. Collection method: clinical testing. Allele origin: germline. Affected: yes.

Medical Genetics, University of Parma
Classification: Pathogenic for Neurofibromatosis, type 1. Last evaluated: 2019-12-20. Review status: criteria provided, single submitter. Criteria: ACMG Guidelines, 2015. Collection method: clinical testing. Allele origin: germline. Affected: yes.

Revvity Omics, Revvity
Classification: Pathogenic. Last evaluated: 2019-04-03. Review status: criteria provided, single submitter. Criteria: ACMG Guidelines, 2015. Collection method: clinical testing. Allele origin: germline.

Ambry Genetics
Classification: Pathogenic for Hereditary cancer-predisposing syndrome. Last evaluated: 2015-08-20. Review status: criteria provided, single submitter. Criteria: Ambry Autosomal Dominant and X-Linked criteria (10/2015). Collection method: clinical testing. Allele origin: germline. Observed: 1 variant allele.
Comment: The p.R461* pathogenic mutation (also known as c.1381C>T), located in coding exon 12 of the NF1 gene, results from a C to T substitution at nucleotide position 1381. This changes the amino acid from an arginine to a stop codon within coding exon 12. This mutation has been detected in multiple individuals who satisfy NIH diagnostic criteria for NF1 (FahsoldR, et al.Am. J. Hum. Genet. 2000;66(3):790-818;Griffiths S, et al. Fam. Cancer 2007;6(1):21-34;Ko JM, et al.Pediatr.Neurol. 2013;48(6):447-53;JeongSY, et al. J. Korean Med. Sci. 2006;21(1):107-12;MessiaenLM, et al.Hum.Mutat. 2000;15(6):541-55).In addition to the clinical data presented in the literature, since premature stop codons are typically deleterious in nature, this alteration is interpreted as a disease-causing mutation (ACMG Recommendations for Standards for Interpretation and Reporting of Sequence Variations. Revision 2007. Genet Med. 2008;10:294).

Center of Genomic medicine, Geneva, University Hospital of Geneva
Classification: Pathogenic for Neurofibromatosis, type 1. Last evaluated: 2015-05-06. Review status: criteria provided, single submitter. Criteria: ACMG Guidelines, 2015. Collection method: clinical testing. Allele origin: de novo. Affected: yes.

Juno Genomics, Hangzhou Juno Genomics, Inc
Classification: Pathogenic for Neurofibromatosis, type 1. Review status: criteria provided, single submitter. Criteria: ACMG Guidelines, 2015. Collection method: clinical testing. Allele origin: germline. Affected: yes.
Comment: Absent from controls (or at extremely low frequency if recessive) in Genome Aggregation Database, Exome Sequencing Project, 1000 Genomes Project, or Exome Aggregation Consortium.;Null variant in a gene where loss of function (LOF) is a known mechanism of disease.;The prevalence of the variant in affected individuals is significantly increased compared to the prevalence in controls.

Laboratory for Genotyping Development, RIKEN
Classification: Pathogenic for Gastric cancer. Last evaluated: 2021-07-01. Review status: no assertion criteria provided. Collection method: research. Allele origin: germline. Not counted in ClinVar's aggregate classification.

Literature cited by the submitters: PubMed 10712197 (cited by 5 submitters); PubMed 23913538 (cited by 3 submitters); PubMed 10862084 (cited by 4 submitters); PubMed 16944272 (cited by 4 submitters); PubMed 23668869 (cited by 4 submitters); PubMed 35885913 (cited by Dasa); PubMed 33443663 (cited by Dasa); PubMed 26962827 (cited by Dasa); PubMed 16479075 (cited by 3 submitters); PubMed 16835897 (cited by 3 submitters); PubMed 31370276 (cited by Institute for Genomic Medicine (IGM) Clinical Laboratory, Nationwide Children's Hospital and Quest Diagnostics Nichols Institute San Juan Capistrano); PubMed 37806041 (cited by Institute for Genomic Medicine (IGM) Clinical Laboratory, Nationwide Children's Hospital); PubMed 33471991 (cited by Quest Diagnostics Nichols Institute San Juan Capistrano); PubMed 33877690 (cited by Quest Diagnostics Nichols Institute San Juan Capistrano); PubMed 36243179 (cited by Quest Diagnostics Nichols Institute San Juan Capistrano); PubMed 15146469 (cited by Quest Diagnostics Nichols Institute San Juan Capistrano); PubMed 16941471 (cited by Quest Diagnostics Nichols Institute San Juan Capistrano); PubMed 24789688 (cited by Quest Diagnostics Nichols Institute San Juan Capistrano); PubMed 26659639 (cited by Quest Diagnostics Nichols Institute San Juan Capistrano); PubMed 36988593 (cited by Laboratory for Genotyping Development, RIKEN).